The following is an entry in ClinVar:

ClinVar aggregate classification (germline): Uncertain significance (1 of 4 stars; one submission).

Conditions:
X-linked lymphoproliferative disease due to SH2D1A deficiency (XLP1). Also called: PURTILO SYNDROME; SH2D1A-Related Lymphoproliferative Disease, X-Linked; EBV infection severe susceptibility to; Epstein Barr virus infection familial fatal; Duncan's syndrome; DUNCAN DISEASE. Identifiers: Orphanet 2442, Orphanet 538931, MedGen C5399825, MONDO:0024551, OMIM 308240.

Submission:

Labcorp Genetics (formerly Invitae), Labcorp
Classification: Uncertain significance for X-linked lymphoproliferative disease due to SH2D1A deficiency. Last evaluated: 2025-10-11. Review status: criteria provided, single submitter. Criteria: Invitae Variant Classification Sherloc (09022015). Collection method: clinical testing. Allele origin: germline.
Comment: This sequence change replaces leucine, which is neutral and non-polar, with proline, which is neutral and non-polar, at codon 98 of the SH2D1A protein (p.Leu98Pro). This variant is not present in population databases (gnomAD no frequency). This missense change has been observed in individual(s) with X-linked lymphoproliferative syndrome (PMID: 23944711, 29665027, 39052144). An algorithm developed to predict the effect of missense changes on protein structure and function (PolyPhen-2) suggests that this variant is likely to be disruptive. In summary, the available evidence is currently insufficient to determine the role of this variant in disease. Therefore, it has been classified as a Variant of Uncertain Significance.

Literature cited by the submitters: PubMed 23944711; PubMed 29665027; PubMed 39052144.

NM_002351.5(SH2D1A):c.293T>C (p.Leu98Pro)

Gene: SH2D1A (SH2 domain containing 1A; plus strand). Cytogenetic location: Xq25.
Variant type: single nucleotide variant.
Coding change: c.293T>C on transcript NM_002351.5 (MANE Select); coding-DNA position 293, T replaced by C.
Protein change: p.Leu98Pro; replaces leucine 98 with proline.
Molecular consequence: missense variant.
Genome position (GRCh38, 1-based): chrX:124,370,267, T>C. VCF-style: chrX-124370267-T-C. GRCh37 (hg19) VCF-style: chrX-123504117-T-C.
Other names: c.293T>C, p.Leu98Pro (NM_001114937.3); short protein forms L98P.
Identifiers: ClinVar variation 4710877 (VCV004710877.1).